The following is an entry in ClinVar:

NM_001321120.2(TBX4):c.709C>T (p.Gln237Ter)

Gene: TBX4 (T-box transcription factor 4; plus strand). Cytogenetic location: 17q23.2.
Variant type: single nucleotide variant.
Coding change: c.709C>T on transcript NM_001321120.2 (MANE Select); coding-DNA position 709, C replaced by T.
Protein change: p.Gln237Ter; replaces glutamine 237 with a stop codon.
Molecular consequence: nonsense.
Genome position (GRCh38, 1-based): chr17:61,479,887, C>T. VCF-style: chr17-61479887-C-T. GRCh37 (hg19) VCF-style: chr17-59557248-C-T.
Other names: c.709C>T, p.Gln237Ter (LRG_1206t1, NM_018488.3); short protein forms Q237*.
Identifiers: ClinVar variation 450470 (VCV000450470.2), dbSNP rs1555883466, ClinGen allele CA400473714.
Genomic context (GRCh38, chr17:61,479,887, plus strand): 5'-TGAGACACATTTGTGTGCCTCACACTGGTGACCCTATGTGTTTTCTCCCCACAGATCACC[C>T]AGCTGAAAATTGAGAACAACCCTTTTGCCAAGGGATTCCGGGGCAGTGATGACAGTGACC-3'

ClinVar aggregate classification (germline): Pathogenic (1 of 4 stars; one submission).

Submission:

GeneDx
Classification: Pathogenic. Last evaluated: 2017-07-21. Review status: criteria provided, single submitter. Criteria: GeneDx Variant Classification (06012015). Collection method: clinical testing. Allele origin: germline. Affected: yes.
Comment: The Q237X variant in the TBX4 gene has not been reported previously as a pathogenic variant nor as a benign variant, to our knowledge. This variant is predicted to cause loss of normal protein function either through protein truncation or nonsense-mediated mRNA decay. The Q237X variant is not observed in large population cohorts (Lek et al., 2016; 1000 Genomes Consortium et al., 2015; Exome Variant Server). We interpret Q237X as a pathogenic variant.